The following is an entry in ClinVar:

ClinVar aggregate classification (germline): Pathogenic. Review status: criteria provided, multiple submitters, no conflicts (2 of 4 stars). 2 submissions from 2 submitters: Pathogenic (2). Last evaluated 2025-12-06.

Conditions:
Cerebral cavernous malformation (CCM). Also called: Cerebral cavernous malformations; Cerebral cavernous hemangioma (type); CAVERNOUS ANGIOMA, FAMILIAL; CAVERNOUS ANGIOMATOUS MALFORMATIONS; CEREBRAL CAPILLARY MALFORMATIONS; Cavernous Hemangioma of Brain. Identifiers: Orphanet 221061, MedGen C2919945, MONDO:0000820, OMIM 116860, HP:0033522.

Submissions (2):

Labcorp Genetics (formerly Invitae), Labcorp
Classification: Pathogenic for Cerebral cavernous malformation. Last evaluated: 2025-12-06. Review status: criteria provided, single submitter. Criteria: Invitae Variant Classification Sherloc (09022015). Collection method: clinical testing. Allele origin: germline.
Comment: This sequence change creates a premature translational stop signal (p.Lys216Glufs*2) in the KRIT1 gene. It is expected to result in an absent or disrupted protein product. Loss-of-function variants in KRIT1 are known to be pathogenic (PMID: 10508515, 11222804, 12404106, 24689081). This variant is not present in population databases (gnomAD no frequency). This premature translational stop signal has been observed in individual(s) with cerebral cavernous malformations (PMID: 30161288). ClinVar contains an entry for this variant (Variation ID: 1439541). Algorithms developed to predict the effect of sequence changes on RNA splicing suggest that this variant may disrupt the consensus splice site. For these reasons, this variant has been classified as Pathogenic.

ARUP Laboratories, Molecular Genetics and Genomics, ARUP Laboratories
Classification: Pathogenic. Last evaluated: 2025-01-03. Review status: criteria provided, single submitter. Criteria: ARUP Molecular Germline Variant Investigation Process 2024. Collection method: clinical testing. Allele origin: germline.
Comment: The KRIT1 c.646_647del; p.Lys216GlufsTer2 variant (rs1798246011) is reported in the literature in three individuals affected with cerebral cavernous malformation (Fusco 2019, Nardella 2018). This variant is reported in ClinVar (Variation ID: 1439541) and is absent from the Genome Aggregation Database (v2.1.1), indicating it is not a common polymorphism. This variant causes a frameshift by deleting two nucleotides, so it is predicted to result in a truncated protein or mRNA subject to nonsense-mediated decay. Based on available information, this variant is considered to be pathogenic. References: Fusco C, et al. Molecular diagnostic workflow, clinical interpretation of sequence variants, and data repository procedures in 140 individuals with familial cerebral cavernous malformations. Hum Mutat. 2019 Nov;40(11):e24-e36. PMID: 31254430. Nardella G, et al. A single-center study on 140 patients with cerebral cavernous malformations: 28 new pathogenic variants and functional characterization of a PDCD10 large deletion. Hum Mutat. 2018 Dec;39(12):1885-1900. PMID: 30161288.

Literature cited by the submitters: PubMed 10508515 (cited by Labcorp Genetics (formerly Invitae), Labcorp); PubMed 11222804 (cited by Labcorp Genetics (formerly Invitae), Labcorp); PubMed 12404106 (cited by Labcorp Genetics (formerly Invitae), Labcorp); PubMed 24689081 (cited by Labcorp Genetics (formerly Invitae), Labcorp); PubMed 30161288 (cited by Labcorp Genetics (formerly Invitae), Labcorp).

NM_194454.3(KRIT1):c.646_647del (p.Lys216fs)

Gene: KRIT1 (KRIT1 ankyrin repeat containing; minus strand). Cytogenetic location: 7q21.2.
Variant type: Deletion.
Coding change: c.646_647del on transcript NM_194454.3 (MANE Select); coding-DNA positions 646 to 647, 2 bases deleted (AA; older notation c.646_647delAA).
Protein change: p.Lys216fs; shifts the reading frame from lysine 216.
Molecular consequence: frameshift variant. On other transcripts: intron variant (1).
Genome position (GRCh38, 1-based): chr7:92,235,485-92,235,486, TT deleted on the plus strand (AA on the coding strand, the reverse complement: KRIT1 is on the minus strand); deleting any 2 consecutive bases within chr7:92,235,485-92,235,487 gives the same sequence; the c. name uses the placement nearest the transcript's 3' end. VCF-style (leftmost placement, unchanged base first): chr7-92235484-CTT-C. GRCh37 (hg19) VCF-style: chr7-91864798-CTT-C.
Other names: c.646_647del, p.Lys216fs (NM_001013406.2, NM_001350669.1, NM_001350670.1 and 29 more transcripts); c.15+48_15+49del (NM_001350671.1); short protein forms K216fs.
Identifiers: ClinVar variation 1439541 (VCV001439541.7), dbSNP rs1798246011, ClinGen allele CA1725821894.